The following is an entry in ClinVar:

NM_000051.4(ATM):c.3507A>T (p.Glu1169Asp)

Gene: ATM (ATM serine/threonine kinase; plus strand). Cytogenetic location: 11q22.3.
Variant type: single nucleotide variant.
Coding change: c.3507A>T on transcript NM_000051.4 (MANE Select); coding-DNA position 3507, A replaced by T.
Protein change: p.Glu1169Asp; replaces glutamic acid 1169 with aspartic acid.
Molecular consequence: missense variant.
Genome position (GRCh38, 1-based): chr11:108,281,099, A>T. VCF-style: chr11-108281099-A-T. GRCh37 (hg19) VCF-style: chr11-108151826-A-T.
Other names: c.3507A>T, p.Glu1169Asp (NM_001351834.2); short protein forms E1169D.
Identifiers: ClinVar variation 1384504 (VCV001384504.6), dbSNP rs1555091291, ClinGen allele CA382519882.

ClinVar aggregate classification (germline): Uncertain significance (1 of 4 stars; one submission).

Conditions:
Ataxia-telangiectasia syndrome (AT). Also called: Cerebello-oculocutaneous telangiectasia; Immunodeficiency with ataxia telangiectasia; LOUIS-BAR SYNDROME; ATAXIA-TELANGIECTASIA, COMPLEMENTATION GROUP A; ATAXIA-TELANGIECTASIA, FRESNO VARIANT; Ataxia-telangiectasia, complementation group D. Identifiers: Orphanet 100, MedGen C0004135, MONDO:0008840, OMIM 208900.

Submission:

Labcorp Genetics (formerly Invitae), Labcorp
Classification: Uncertain significance for Ataxia-telangiectasia syndrome. Last evaluated: 2024-07-23. Review status: criteria provided, single submitter. Criteria: Invitae Variant Classification Sherloc (09022015). Collection method: clinical testing. Allele origin: germline.
Comment: This sequence change replaces glutamic acid, which is acidic and polar, with aspartic acid, which is acidic and polar, at codon 1169 of the ATM protein (p.Glu1169Asp). This variant is not present in population databases (gnomAD no frequency). This variant has not been reported in the literature in individuals affected with ATM-related conditions. ClinVar contains an entry for this variant (Variation ID: 1384504). An algorithm developed to predict the effect of missense changes on protein structure and function (PolyPhen-2) suggests that this variant is likely to be disruptive. In summary, the available evidence is currently insufficient to determine the role of this variant in disease. Therefore, it has been classified as a Variant of Uncertain Significance.